The following is an entry in ClinVar:

ClinVar aggregate classification (germline): Conflicting classifications of pathogenicity. Review status: criteria provided, conflicting classifications (1 of 4 stars). 3 submissions from 3 submitters: Uncertain significance (2); Likely benign (1). Last evaluated 2024-02-14.

Conditions:
Pallister-Hall syndrome (PHS). Also called: HYPOTHALAMIC HAMARTOBLASTOMA, HYPOPITUITARISM, IMPERFORATE ANUS, AND POSTAXIAL POLYDACTYLY; GLI3-Related Pallister-Hall Syndrome. Identifiers: Orphanet 672, MedGen C0265220, MONDO:0007804, OMIM 146510.
Greig cephalopolysyndactyly syndrome (GCPS). Also called: GLI3-Related Greig Cephalopolysyndactyly Syndrome; POLYSYNDACTYLY WITH PECULIAR SKULL SHAPE; Greig syndrome. Identifiers: Orphanet 380, MedGen C0265306, MONDO:0008287, OMIM 175700.
Polysyndactyly 4. Also called: Polysyndactyly uncomplicated; Preaxial polydactyly 4. Identifiers: Orphanet 93338, MedGen C1868111, MONDO:0008272, OMIM 174700.
Polydactyly, postaxial, type A1. Identifiers: MedGen C4282400, MONDO:0008266, OMIM 174200.

Allele frequency attached by ClinVar (database versions not stated): gnomAD 0.00001; gnomAD exomes 0.00002; ESP Exome Variant Server 0.00008; TOPMed below 0.00001.

Submissions (3):

Fulgent Genetics
Classification: Uncertain significance for Pallister-Hall syndrome; Polydactyly, postaxial, type A1; Polysyndactyly 4; Greig cephalopolysyndactyly syndrome. Last evaluated: 2024-02-14. Review status: criteria provided, single submitter. Criteria: ACMG Guidelines, 2015. Collection method: clinical testing. Allele origin: germline.

Labcorp Genetics (formerly Invitae), Labcorp
Classification: Likely benign for Pallister-Hall syndrome; Greig cephalopolysyndactyly syndrome. Last evaluated: 2022-09-01. Review status: criteria provided, single submitter. Criteria: Invitae Variant Classification Sherloc (09022015). Collection method: clinical testing. Allele origin: germline.

GeneDx
Classification: Uncertain significance. Last evaluated: 2019-05-28. Review status: criteria provided, single submitter. Criteria: GeneDx Variant Classification Process June 2021. Collection method: clinical testing. Allele origin: germline. Affected: yes.
Comment: In silico analysis, which includes protein predictors and evolutionary conservation, supports a deleterious effect; Has not been previously published as pathogenic or benign to our knowledge

NM_000168.6(GLI3):c.781G>A (p.Ala261Thr)

Gene: GLI3 (GLI family zinc finger 3; minus strand). Cytogenetic location: 7p14.1.
Variant type: single nucleotide variant.
Coding change: c.781G>A on transcript NM_000168.6 (MANE Select); coding-DNA position 781, G replaced by A.
Protein change: p.Ala261Thr; replaces alanine 261 with threonine.
Molecular consequence: missense variant.
Genome position (GRCh38, 1-based): chr7:42,045,429, C>T on the plus strand (G>A on the coding strand, the complement: GLI3 is on the minus strand). VCF-style: chr7-42045429-C-T. GRCh37 (hg19) VCF-style: chr7-42085028-C-T.
Other names: short protein forms A261T.
Identifiers: ClinVar variation 656238 (VCV000656238.12), dbSNP rs139274834, ClinGen allele CA4231066.